The following is an entry in ClinVar:

ClinVar aggregate classification (germline): Uncertain significance. Review status: criteria provided, multiple submitters, no conflicts (2 of 4 stars). 2 submissions from 2 submitters: Uncertain significance (2). Last evaluated 2023-05-17.

Conditions:
Inborn genetic diseases. Identifiers: MedGen C0950123, MeSH D030342.

Submissions (2):

Ambry Genetics
Classification: Uncertain significance for Inborn genetic diseases. Last evaluated: 2023-05-17. Review status: criteria provided, single submitter. Criteria: Ambry Variant Classification Scheme 2023. Collection method: clinical testing. Allele origin: germline.

Labcorp Genetics (formerly Invitae), Labcorp
Classification: Uncertain significance. Last evaluated: 2022-12-20. Review status: criteria provided, single submitter. Criteria: Invitae Variant Classification Sherloc (09022015). Collection method: clinical testing. Allele origin: germline.
Comment: In summary, the available evidence is currently insufficient to determine the role of this variant in disease. Therefore, it has been classified as a Variant of Uncertain Significance. This sequence change replaces serine, which is neutral and polar, with cysteine, which is neutral and slightly polar, at codon 872 of the CDH2 protein (p.Ser872Cys). This variant is not present in population databases (gnomAD no frequency). This variant has not been reported in the literature in individuals affected with CDH2-related conditions. Algorithms developed to predict the effect of missense changes on protein structure and function (SIFT, PolyPhen-2, Align-GVGD) all suggest that this variant is likely to be disruptive.

NM_001792.5(CDH2):c.2615C>G (p.Ser872Cys)

Genes: CDH2 (cadherin 2; minus strand), CDH2-AS1 (CDH2 antisense RNA 1; plus strand). Cytogenetic location: 18q12.1.
Variant type: single nucleotide variant.
Coding change: c.2615C>G on transcript NM_001792.5 (MANE Select); coding-DNA position 2615, C replaced by G.
Protein change: p.Ser872Cys; replaces serine 872 with cysteine.
Molecular consequence: missense variant.
Genome position (GRCh38, 1-based): chr18:27,952,259, G>C on the plus strand (C>G on the coding strand, the complement: CDH2 is on the minus strand). VCF-style: chr18-27952259-G-C. GRCh37 (hg19) VCF-style: chr18-25532223-G-C.
Other names: c.2522C>G, p.Ser841Cys (NM_001308176.2); short protein forms S841C, S872C.
Identifiers: ClinVar variation 2547177 (VCV002547177.5), dbSNP rs2510768445, ClinGen allele CA402101261.